The following is an entry in ClinVar:

ClinVar aggregate classification (germline): Pathogenic (1 of 4 stars; one submission).

Conditions:
Ehlers-Danlos syndrome, classic type, 1 (EDSCL1). Also called: EHLERS-DANLOS SYNDROME, GRAVIS TYPE; EHLERS-DANLOS SYNDROME, SEVERE CLASSIC TYPE; Ehlers-Danlos syndrome, type 1; Ehlers-Danlos Syndrome, Classic Type, COL5A1-Related; EDS I. Identifiers: MedGen C0268335, MONDO:0019567, OMIM 130000.
Osteogenesis imperfecta type I (OI1). Also called: OI, TYPE I; OSTEOGENESIS IMPERFECTA TARDA; OSTEOGENESIS IMPERFECTA WITH BLUE SCLERAE; Osteogenesis imperfecta type 1; Lobstein's Disease; Lobstein disease. Identifiers: Orphanet 216796, Orphanet 666, MedGen C0023931, MONDO:0008146, OMIM 166200. Disease mechanism: loss of function.

Submission:

Labcorp Genetics (formerly Invitae), Labcorp
Classification: Pathogenic for Osteogenesis imperfecta type I; Ehlers-Danlos syndrome, classic type, 1. Last evaluated: 2025-09-04. Review status: criteria provided, single submitter. Criteria: Invitae Variant Classification Sherloc (09022015). Collection method: clinical testing. Allele origin: germline.
Comment: This sequence change replaces glycine, which is neutral and non-polar, with arginine, which is basic and polar, at codon 160 of the COL1A2 protein (p.Gly160Arg). This variant is not present in population databases (gnomAD no frequency). This missense change has been observed in individual(s) with osteogenesis imperfecta type I (PMID: 28725987). ClinVar contains an entry for this variant (Variation ID: 3762104). Invitae Evidence Modeling of protein sequence and biophysical properties (such as structural, functional, and spatial information, amino acid conservation, physicochemical variation, residue mobility, and thermodynamic stability) indicates that this missense variant is expected to disrupt COL1A2 protein function with a positive predictive value of 95%. This variant disrupts the triple helix domain of COL1A2. Glycine residues within the Gly-Xaa-Yaa repeats of the triple helix domain are required for the structure and stability of fibrillar collagens (PMID: 7695699, 8218237, 19344236). In COL1A2, variants affecting these glycine residues are significantly enriched in individuals with disease (PMID: 9016532, 17078022) compared to the general population (ExAC). For these reasons, this variant has been classified as Pathogenic.

Literature cited by the submitters: PubMed 28725987; PubMed 7695699; PubMed 8218237; PubMed 19344236; PubMed 9016532; PubMed 17078022.

NM_000089.4(COL1A2):c.478G>C (p.Gly160Arg)

Gene: COL1A2 (collagen type I alpha 2 chain; plus strand). Cytogenetic location: 7q21.3.
Variant type: single nucleotide variant.
Coding change: c.478G>C on transcript NM_000089.4 (MANE Select); coding-DNA position 478, G replaced by C.
Protein change: p.Gly160Arg; replaces glycine 160 with arginine.
Molecular consequence: missense variant.
Genome position (GRCh38, 1-based): chr7:94,405,244, G>C. VCF-style: chr7-94405244-G-C. GRCh37 (hg19) VCF-style: chr7-94034556-G-C.
Other names: short protein forms G160R.
Identifiers: ClinVar variation 3762104 (VCV003762104.2).